The following is an entry in ClinVar:

ClinVar aggregate classification (germline): Uncertain significance (1 of 4 stars; one submission).

Allele frequency attached by ClinVar (database versions not stated): gnomAD 0.00001; TOPMed 0.00001; ExAC 0.00002; gnomAD exomes 0.00002.
gnomAD v4.1: 23 of 1,609,138 alleles (0.0014%); highest among the groups gnomAD compares: South Asian, 0.0022%; no homozygotes.

Submission:

Labcorp Genetics (formerly Invitae), Labcorp
Classification: Uncertain significance. Last evaluated: 2021-11-10. Review status: criteria provided, single submitter. Criteria: Invitae Variant Classification Sherloc (09022015). Collection method: clinical testing. Allele origin: germline.
Comment: This sequence change replaces glycine, which is neutral and non-polar, with serine, which is neutral and polar, at codon 222 of the ERBB2 protein (p.Gly222Ser). In summary, the available evidence is currently insufficient to determine the role of this variant in disease. Therefore, it has been classified as a Variant of Uncertain Significance. Algorithms developed to predict the effect of sequence changes on RNA splicing suggest that this variant may create or strengthen a splice site. Algorithms developed to predict the effect of missense changes on protein structure and function output the following: SIFT: "Tolerated"; PolyPhen-2: "Benign"; Align-GVGD: "Class C0". The serine amino acid residue is found in multiple mammalian species, which suggests that this missense change does not adversely affect protein function. This variant has not been reported in the literature in individuals affected with ERBB2-related conditions. The frequency data for this variant in the population databases is considered unreliable, as metrics indicate poor data quality at this position in the gnomAD database.

NM_004448.4(ERBB2):c.664G>A (p.Gly222Ser)

Gene: ERBB2 (erb-b2 receptor tyrosine kinase 2; plus strand). Cytogenetic location: 17q12.
Variant type: single nucleotide variant.
Coding change: c.664G>A on transcript NM_004448.4 (MANE Select); coding-DNA position 664, G replaced by A.
Protein change: p.Gly222Ser; replaces glycine 222 with serine.
Molecular consequence: missense variant. On other transcripts: non-coding transcript variant (1), intron variant (2).
Genome position (GRCh38, 1-based): chr17:39,710,106, G>A. VCF-style: chr17-39710106-G-A. GRCh37 (hg19) VCF-style: chr17-37866359-G-A.
Other names: c.574G>A, p.Gly192Ser (NM_001005862.3, NM_001289938.2, NM_001382782.1 and 1 more transcripts); c.619G>A, p.Gly207Ser (NM_001289936.2); c.664G>A, p.Gly222Ser (NM_001289937.2, NM_001382784.1, NM_001382785.1 and 16 more transcripts); c.739G>A, p.Gly247Ser (NM_001382787.1); c.655G>A, p.Gly219Ser (NM_001382791.1); c.484G>A, p.Gly162Ser (NM_001382799.1); c.643+225G>A (NM_001382802.1); c.74-1822G>A (NM_001382804.1); short protein forms G162S, G207S, G247S, G219S, G192S, G222S.
Identifiers: ClinVar variation 1429269 (VCV001429269.6), dbSNP rs772393268, ClinGen allele CA8533707.